The following is an entry in ClinVar:

NM_033380.3(COL4A5):c.4086A>T (p.Pro1362=)

Gene: COL4A5 (collagen type IV alpha 5 chain; plus strand). Cytogenetic location: Xq22.3.
Variant type: single nucleotide variant.
Coding change: c.4086A>T on transcript NM_033380.3 (MANE Select); coding-DNA position 4086, A replaced by T.
Protein change: p.Pro1362=; no amino-acid change (proline 1362 retained).
Molecular consequence: synonymous variant.
Genome position (GRCh38, 1-based): chrX:108,680,955, A>T. VCF-style: chrX-108680955-A-T. GRCh37 (hg19) VCF-style: chrX-107924185-A-T.
Other names: c.4068A>T, p.Pro1356= (NM_000495.5).
Identifiers: ClinVar variation 2176024 (VCV002176024.5), dbSNP rs1169749414, ClinGen allele CA517923687.
Genomic context (GRCh38, chrX:108,680,955, plus strand): 5'-ACCCAGTGGAGTACCTGGATCAGCTGGCCCTGAGGGGGAACCGGGACTTATTGGTCCTCC[A>T]GGTAAGACTTATTCCTGAAGATAGTTATACCTGATACTTAGATGCTTTAAAGAATTTGAA-3'
Protein context (NP_203699.1, residues 1352-1372): PEGEPGLIGP[Pro1362=]GPPGLPGPSG

ClinVar aggregate classification (germline): Uncertain significance. Review status: criteria provided, multiple submitters, no conflicts (2 of 4 stars). 2 submissions from 2 submitters: Uncertain significance (2). Last evaluated 2024-02-19.

Conditions:
X-linked Alport syndrome (ATS1). Also called: COL4A5-Related Nephropathy; NEPHROPATHY AND DEAFNESS, X-LINKED. Identifiers: Orphanet 63, Orphanet 88917, MedGen C4746986, MONDO:0010520, OMIM 301050.

Submissions (2):

Fulgent Genetics
Classification: Uncertain significance for X-linked Alport syndrome. Last evaluated: 2024-02-19. Review status: criteria provided, single submitter. Criteria: ACMG Guidelines, 2015. Collection method: clinical testing. Allele origin: germline.

Labcorp Genetics (formerly Invitae), Labcorp
Classification: Uncertain significance. Last evaluated: 2022-08-13. Review status: criteria provided, single submitter. Criteria: Invitae Variant Classification Sherloc (09022015). Collection method: clinical testing. Allele origin: germline.
Comment: This variant has not been reported in the literature in individuals affected with COL4A5-related conditions. In summary, the available evidence is currently insufficient to determine the role of this variant in disease. Therefore, it has been classified as a Variant of Uncertain Significance. Algorithms developed to predict the effect of sequence changes on RNA splicing suggest that this variant is not likely to affect RNA splicing. This variant is not present in population databases (gnomAD no frequency). This sequence change affects codon 1356 of the COL4A5 mRNA. It is a 'silent' change, meaning that it does not change the encoded amino acid sequence of the COL4A5 protein. It affects a nucleotide within the consensus splice site.